The following is an entry in ClinVar:

NM_001330078.2(NRXN1):c.3362A>C (p.Asp1121Ala)

Gene: NRXN1 (neurexin 1; minus strand). Cytogenetic location: 2p16.3.
Variant type: single nucleotide variant.
Coding change: c.3362A>C on transcript NM_001330078.2 (MANE Select); coding-DNA position 3362, A replaced by C.
Protein change: p.Asp1121Ala; replaces aspartic acid 1121 with alanine.
Molecular consequence: missense variant.
Genome position (GRCh38, 1-based): chr2:50,465,444, T>G on the plus strand (A>C on the coding strand, the complement: NRXN1 is on the minus strand). VCF-style: chr2-50465444-T-G. GRCh37 (hg19) VCF-style: chr2-50692582-T-G.
Other names: c.3311A>C, p.Asp1104Ala (NM_001330095.2); c.3251A>C, p.Asp1084Ala (NM_001330096.2, NM_001330087.2); c.3362A>C, p.Asp1121Ala (NM_004801.6, NM_001330086.2); c.3482A>C, p.Asp1161Ala (NM_001135659.3); c.3338A>C, p.Asp1113Ala (NM_001330077.2, NM_001330082.2); c.3296A>C, p.Asp1099Ala (NM_001330083.2, NM_001330084.2); c.3335A>C, p.Asp1112Ala (NM_001330085.2); c.3281A>C, p.Asp1094Ala (NM_001330088.2); and 2 more; short protein forms D1084A, D1094A, D1099A, D1104A, D1112A, D1113A, D1117A, D1120A.
Identifiers: ClinVar variation 4861195 (VCV004861195.1).
Genomic context (GRCh38, chr2:50,465,444, plus strand): 5'-ATCAAACAGTAACTGGAAGCAACGATGAGTATCAGTCCATACTCAGAGAGGTACTTACGG[T>G]CATTGCAGAGTGGTCCACTGAAGGAAGTCATACTACAGTCACAGCTGAAGCCATCCCATT-3'
Protein context (NP_001317007.1, residues 1111-1131): MTSFSGPLCN[Asp1121Ala]PGTTYIFSKG

ClinVar aggregate classification (germline): Uncertain significance (1 of 4 stars; one submission).

Conditions:
Inborn genetic diseases. Identifiers: MedGen C0950123, MeSH D030342.

gnomAD v4.1: 1 of 1,607,542 alleles (0.000062%); highest among the groups gnomAD compares: Non-Finnish European, 0.000085%; no homozygotes.

Submission:

Ambry Genetics
Classification: Uncertain significance for Inborn genetic diseases. Last evaluated: 2026-06-04. Review status: criteria provided, single submitter. Criteria: Ambry Variant Classification Scheme 2023. Collection method: clinical testing. Allele origin: germline.
Comment: The c.3482A>C (p.D1161A) alteration is located in exon 18 (coding exon 17) of the NRXN1 gene. This alteration results from a A to C substitution at nucleotide position 3482, causing the aspartic acid (D) at amino acid position 1161 to be replaced by an alanine (A). Based on data from gnomAD, the C allele has an overall frequency of <0.001% (1/243462) total alleles studied. The highest observed frequency was 0.001% (1/110324) of European (non-Finnish) alleles. Based on insufficient or conflicting evidence, the clinical significance of this alteration remains unclear.